The following is an entry in ClinVar:

NM_015466.4(PTPN23):c.1259A>C (p.Gln420Pro)

Gene: PTPN23 (protein tyrosine phosphatase non-receptor type 23; plus strand). Cytogenetic location: 3p21.31.
Variant type: single nucleotide variant.
Coding change: c.1259A>C on transcript NM_015466.4 (MANE Select); coding-DNA position 1259, A replaced by C.
Protein change: p.Gln420Pro; replaces glutamine 420 with proline.
Molecular consequence: missense variant.
Genome position (GRCh38, 1-based): chr3:47,408,419, A>C. VCF-style: chr3-47408419-A-C. GRCh37 (hg19) VCF-style: chr3-47449909-A-C.
Other names: c.881A>C, p.Gln294Pro (NM_001304482.2); short protein forms Q294P, Q420P.
Identifiers: ClinVar variation 1506884 (VCV001506884.8), dbSNP rs1244425847, ClinGen allele CA352552199.

ClinVar aggregate classification (germline): Uncertain significance (1 of 4 stars; one submission).

Submission:

Labcorp Genetics (formerly Invitae), Labcorp
Classification: Uncertain significance. Last evaluated: 2021-02-02. Review status: criteria provided, single submitter. Criteria: Invitae Variant Classification Sherloc (09022015). Collection method: clinical testing. Allele origin: germline.
Comment: In summary, the available evidence is currently insufficient to determine the role of this variant in disease. Therefore, it has been classified as a Variant of Uncertain Significance. Algorithms developed to predict the effect of missense changes on protein structure and function are either unavailable or do not agree on the potential impact of this missense change (SIFT: "Tolerated"; PolyPhen-2: "Not Available"; Align-GVGD: "Class C0"). This variant has not been reported in the literature in individuals with PTPN23-related conditions. This variant is not present in population databases (ExAC no frequency). This sequence change replaces glutamine with proline at codon 420 of the PTPN23 protein (p.Gln420Pro). The glutamine residue is weakly conserved and there is a moderate physicochemical difference between glutamine and proline.